The following is an entry in ClinVar:

NM_006922.4(SCN3A):c.5983G>A (p.Val1995Ile)

Gene: SCN3A (sodium voltage-gated channel alpha subunit 3; minus strand). Cytogenetic location: 2q24.3.
Variant type: single nucleotide variant.
Coding change: c.5983G>A on transcript NM_006922.4 (MANE Select); coding-DNA position 5983, G replaced by A.
Protein change: p.Val1995Ile; replaces valine 1995 with isoleucine.
Molecular consequence: missense variant.
Genome position (GRCh38, 1-based): chr2:165,090,170, C>T on the plus strand (G>A on the coding strand, the complement: SCN3A is on the minus strand). VCF-style: chr2-165090170-C-T. GRCh37 (hg19) VCF-style: chr2-165946680-C-T.
Other names: c.5836G>A, p.Val1946Ile (NM_001081676.2, NM_001081677.2); short protein forms V1946I, V1995I.
Identifiers: ClinVar variation 1331216 (VCV001331216.3), dbSNP rs2105615122, ClinGen allele CA349008819.

ClinVar aggregate classification (germline): Uncertain significance (1 of 4 stars; one submission).

Allele frequency attached by ClinVar (database versions not stated): gnomAD exomes below 0.00001.
gnomAD v4.1: 2 of 1,587,920 alleles (0.00013%); highest among the groups gnomAD compares: African/African-American, 0.0013%; no homozygotes.

Submission:

GeneDx
Classification: Uncertain significance. Last evaluated: 2025-06-04. Review status: criteria provided, single submitter. Criteria: GeneDx Variant Classification Process June 2021. Collection method: clinical testing. Allele origin: germline. Affected: yes.
Comment: Not observed at significant frequency in large population cohorts (gnomAD); In silico analysis suggests that this missense variant does not alter protein structure/function; Has not been previously published as pathogenic or benign to our knowledge; This variant is associated with the following publications: (PMID: 27535533)